The following is an entry in ClinVar:

ClinVar aggregate classification (germline): Uncertain significance (1 of 4 stars; one submission).

Allele frequency attached by ClinVar (database versions not stated): gnomAD 0.00001; gnomAD exomes 0.00001; TOPMed 0.00001.
gnomAD v4.1: 9 of 1,614,116 alleles (0.00056%); highest among the groups gnomAD compares: Non-Finnish European, 0.00076%; no homozygotes.

Submission:

Labcorp Genetics (formerly Invitae), Labcorp
Classification: Uncertain significance. Last evaluated: 2023-03-20. Review status: criteria provided, single submitter. Criteria: Invitae Variant Classification Sherloc (09022015). Collection method: clinical testing. Allele origin: germline.
Comment: ClinVar contains an entry for this variant (Variation ID: 1411979). This variant has not been reported in the literature in individuals affected with KCNH1-related conditions. This variant is not present in population databases (gnomAD no frequency). This sequence change replaces alanine, which is neutral and non-polar, with serine, which is neutral and polar, at codon 611 of the KCNH1 protein (p.Ala611Ser). Advanced modeling of protein sequence and biophysical properties (such as structural, functional, and spatial information, amino acid conservation, physicochemical variation, residue mobility, and thermodynamic stability) has been performed at Invitae for this missense variant, however the output from this modeling did not meet the statistical confidence thresholds required to predict the impact of this variant on KCNH1 protein function. In summary, the available evidence is currently insufficient to determine the role of this variant in disease. Therefore, it has been classified as a Variant of Uncertain Significance.

NM_172362.3(KCNH1):c.1831G>T (p.Ala611Ser)

Gene: KCNH1 (potassium voltage-gated channel subfamily H member 1; minus strand). Cytogenetic location: 1q32.2.
Variant type: single nucleotide variant.
Coding change: c.1831G>T on transcript NM_172362.3 (MANE Select); coding-DNA position 1831, G replaced by T.
Protein change: p.Ala611Ser; replaces alanine 611 with serine.
Molecular consequence: missense variant.
Genome position (GRCh38, 1-based): chr1:210,797,592, C>A on the plus strand (G>T on the coding strand, the complement: KCNH1 is on the minus strand). VCF-style: chr1-210797592-C-A. GRCh37 (hg19) VCF-style: chr1-210970934-C-A.
Other names: c.1750G>T, p.Ala584Ser (NM_002238.4); short protein forms A611S, A584S.
Identifiers: ClinVar variation 1411979 (VCV001411979.8), dbSNP rs1383990598, ClinGen allele CA344872513.
Genomic context (GRCh38, chr1:210,797,592, plus strand): 5'-CTTGGATCACCTCCAGGGAGCCAGAAACCACAAAGCAGAGGCTGTCAACGCTCTCTCCTG[C>A]ATGGTAGATGAGGTCCCCTGGGGCACAGTGCACCGTCTGGAACTCCATGGCCAGTGCCCG-3'
Protein context (NP_758872.1, residues 601-621): HCAPGDLIYH[Ala611Ser]GESVDSLCFV